The following is an entry in ClinVar:

ClinVar aggregate classification (germline): Likely pathogenic (1 of 4 stars; one submission).

Conditions:
ALG6-congenital disorder of glycosylation 1C (CDG1C). Also called: CDG Ic; CARBOHYDRATE-DEFICIENT GLYCOPROTEIN SYNDROME, TYPE I, WITH DEFICIENT GLYCOSYLATION OF DOLICHOL-LINKED OLIGOSACCHARIDE; CARBOHYDRATE-DEFICIENT GLYCOPROTEIN SYNDROME, TYPE V; Congenital disorder of glycosylation type 1C; Congenital disorder of glycosylation, type Ic. Identifiers: Orphanet 79320, MedGen C2930997, MONDO:0011291, OMIM 603147.

Submission:

Myriad Genetics, Inc.
Classification: Likely pathogenic for ALG6-congenital disorder of glycosylation 1C. Last evaluated: 2026-04-10. Review status: criteria provided, single submitter. Criteria: Myriad Autosomal Dominant, Autosomal Recessive and X-Linked Classification Criteria (2023). Collection method: clinical testing. Allele origin: unknown.
Comment: NM_013339.3(ALG6):c.817-1G>A is a variant in a canonical splice site classified as likely pathogenic in the context of congenital disorder of glycosylation, ALG6-related. c.817-1G>A has not been observed in cases with relevant disease. Relevant functional assessments of this variant are not available in the literature. c.817-1G>A has not been observed in referenced population frequency databases. In summary, NM_013339.3(ALG6):c.817-1G>A is a variant in a canonical splice site in a gene where loss of function is a known mechanism of disease and is predicted to disrupt protein function. Please note: this variant was assessed in the context of healthy population screening.

NM_013339.4(ALG6):c.817-1G>A

Gene: ALG6 (ALG6 alpha-1,3-glucosyltransferase; plus strand). Cytogenetic location: 1p31.3.
Variant type: single nucleotide variant.
Coding change: c.817-1G>A on transcript NM_013339.4 (MANE Select); the canonical splice acceptor site of the intron before coding-DNA position 817, G replaced by A.
Molecular consequence: splice acceptor variant.
Genome position (GRCh38, 1-based): chr1:63,414,060, G>A. VCF-style: chr1-63414060-G-A. GRCh37 (hg19) VCF-style: chr1-63879731-G-A.
Identifiers: ClinVar variation 5004592 (VCV005004592.1).